The following is an entry in ClinVar:

NM_015909.4(NBAS):c.3940A>T (p.Lys1314Ter)

Gene: NBAS (NBAS subunit of NRZ tethering complex; minus strand). Cytogenetic location: 2p24.3.
Variant type: single nucleotide variant.
Coding change: c.3940A>T on transcript NM_015909.4 (MANE Select); coding-DNA position 3940, A replaced by T.
Protein change: p.Lys1314Ter; replaces lysine 1314 with a stop codon.
Molecular consequence: nonsense. On other transcripts: non-coding transcript variant (1).
Genome position (GRCh38, 1-based): chr2:15,353,702, T>A on the plus strand (A>T on the coding strand, the complement: NBAS is on the minus strand). VCF-style: chr2-15353702-T-A. GRCh37 (hg19) VCF-style: chr2-15493826-T-A.
Other names: short protein forms K1314*.
Identifiers: ClinVar variation 1687345 (VCV001687345.1), dbSNP rs1673479296, ClinGen allele CA345890626.

ClinVar aggregate classification (germline): Likely pathogenic (1 of 4 stars; one submission).

Conditions:
Infantile liver failure syndrome 2 (ILFS2). Identifiers: MedGen C3809651, MONDO:0014659, OMIM 616483.

Submission:

3billion
Classification: Likely pathogenic for Infantile liver failure syndrome 2. Last evaluated: 2022-05-22. Review status: criteria provided, single submitter. Criteria: ACMG Guidelines, 2015. Collection method: clinical testing. Allele origin: germline. Affected: yes. Observed: 1 heterozygote.
Comment: The variant is not observed in the gnomAD v2.1.1 dataset. Stop-gained (nonsense): predicted to result in a loss or disruption of normal protein function through nonsense-mediated decay (NMD) or protein truncation. Multiple pathogenic variants are reported downstream of the variant. Therefore, this variant is classified as likely pathogenic according to the recommendation of ACMG/AMP guideline.